The following is an entry in ClinVar:

ClinVar aggregate classification (germline): Uncertain significance. Review status: criteria provided, multiple submitters, no conflicts (2 of 4 stars). 3 submissions from 3 submitters: Uncertain significance (3). Last evaluated 2021-09-24.

Conditions:
Cardiovascular phenotype. Identifiers: MedGen CN230736.
Dilated cardiomyopathy 1AA (CMD1AA). Also called: Cardiomyopathy, dilated, 1AA, with or without LVNC; CARDIOMYOPATHY, DILATED, 1AA, WITH OR WITHOUT LEFT VENTRICULAR NONCOMPACTION; CARDIOMYOPATHY, FAMILIAL HYPERTROPHIC, 23, WITH OR WITHOUT LEFT VENTRICULAR NONCOMPACTION. Identifiers: Orphanet 154, MedGen C2677338, MONDO:0012808, OMIM 612158.
Primary familial hypertrophic cardiomyopathy (HCM). Identifiers: Orphanet 99739, MedGen C0949658, MeSH D024741, MONDO:0024573. Inheritance: Various modes of inheritance.

Allele frequency attached by ClinVar (database versions not stated): gnomAD exomes below 0.00001.
gnomAD v4.1: 1 of 1,614,110 alleles (0.000062%); highest among the groups gnomAD compares: Non-Finnish European, 0.000085%; no homozygotes.

Submissions (3):

Labcorp Genetics (formerly Invitae), Labcorp
Classification: Uncertain significance for Primary familial hypertrophic cardiomyopathy; Dilated cardiomyopathy 1AA. Last evaluated: 2021-09-24. Review status: criteria provided, single submitter. Criteria: Invitae Variant Classification Sherloc (09022015). Collection method: clinical testing. Allele origin: germline.
Comment: This sequence change replaces valine with methionine at codon 115 of the ACTN2 protein (p.Val115Met). The valine residue is highly conserved and there is a small physicochemical difference between valine and methionine. This variant is not present in population databases (ExAC no frequency). This missense change has been observed in individual(s) with dilated cardiomyopathy (PMID: 20474083). ClinVar contains an entry for this variant (Variation ID: 43936). Algorithms developed to predict the effect of missense changes on protein structure and function are either unavailable or do not agree on the potential impact of this missense change (SIFT: "Deleterious"; PolyPhen-2: "Probably Damaging"; Align-GVGD: "Class C15"). In summary, the available evidence is currently insufficient to determine the role of this variant in disease. Therefore, it has been classified as a Variant of Uncertain Significance.

Ambry Genetics
Classification: Uncertain significance for Cardiovascular phenotype. Last evaluated: 2020-05-19. Review status: criteria provided, single submitter. Criteria: Ambry Variant Classification Scheme 2023. Collection method: clinical testing. Allele origin: germline.

Laboratory for Molecular Medicine, Mass General Brigham Personalized Medicine
Classification: Uncertain significance. Last evaluated: 2014-10-16. Review status: criteria provided, single submitter. Criteria: LMM Criteria. Collection method: clinical testing. Allele origin: germline. Inheritance: Autosomal dominant inheritance. Observed: 3 variant alleles.
Comment: The Val115Met variant in ACTN2 has been reported in 1 individual with dilated ca rdiomyopathy (Zimmerman 2010), and was not identified in large population studie s . Computational prediction tools and conservation analysis do not provide stro ng support for or against an impact to the protein. In summary, the clinical sig nificance of the Val115Met variant is uncertain.

Literature cited by the submitters: PubMed 20474083 (cited by Labcorp Genetics (formerly Invitae), Labcorp and Laboratory for Molecular Medicine, Mass General Brigham Personalized Medicine).

NM_001103.4(ACTN2):c.343G>A (p.Val115Met)

Gene: ACTN2 (actinin alpha 2; plus strand). Cytogenetic location: 1q43.
Variant type: single nucleotide variant.
Coding change: c.343G>A on transcript NM_001103.4 (MANE Select); coding-DNA position 343, G replaced by A.
Protein change: p.Val115Met; replaces valine 115 with methionine.
Molecular consequence: missense variant. On other transcripts: 5 prime UTR variant (1).
Genome position (GRCh38, 1-based): chr1:236,718,995, G>A. VCF-style: chr1-236718995-G-A. GRCh37 (hg19) VCF-style: chr1-236882295-G-A.
Other names: c.343G>A, p.Val115Met (NM_001278343.2); c.-479G>A (NM_001278344.2); short protein forms V115M.
Identifiers: ClinVar variation 43936 (VCV000043936.12), dbSNP rs397516579, ClinGen allele CA133196.